The following is an entry in ClinVar:

ClinVar aggregate classification (germline): Benign. Review status: criteria provided, multiple submitters, no conflicts (2 of 4 stars). 2 submissions from 2 submitters: Benign (2). Last evaluated 2018-01-12.

Conditions:
T-B+ severe combined immunodeficiency due to JAK3 deficiency. Also called: SCID, T CELL-NEGATIVE, B CELL-POSITIVE, NK CELL-NEGATIVE; SCID, autosomal recessive, T-negative/B-positive type. Identifiers: Orphanet 35078, MedGen C1833275, MONDO:0010938, OMIM 600802.

Allele frequency attached by ClinVar (database versions not stated): 1000 Genomes Project 0.00519; 1000 Genomes Project 30x 0.00547; gnomAD exomes 0.01246; TOPMed 0.01250; gnomAD 0.01373 and 0.01432.
gnomAD v4.1: 2,912 of 218,150 alleles (1.3%); highest among the groups gnomAD compares: Non-Finnish European, 2%; 35 homozygotes.

Submissions (2):

Illumina Laboratory Services, Illumina
Classification: Benign for T-B+ severe combined immunodeficiency due to JAK3 deficiency. Last evaluated: 2018-01-12. Review status: criteria provided, single submitter. Criteria: ICSL Variant Classification Criteria 13 December 2019. Collection method: clinical testing. Allele origin: germline.
Comment: This variant was observed in the ICSL laboratory as part of a predisposition screen in an ostensibly healthy population. It had not been previously curated by ICSL or reported in the Human Gene Mutation Database (HGMD: prior to June 1st, 2018), and was therefore a candidate for classification through an automated scoring system. Utilizing variant allele frequency, disease prevalence and penetrance estimates, and inheritance mode, an automated score was calculated to assess if this variant is too frequent to cause the disease. Based on the score and internal cut-off values, a variant classified as benign is not then subjected to further curation. The score for this variant resulted in a classification of benign for this disease.

Breakthrough Genomics
Classification: Benign. Review status: criteria provided, single submitter. Criteria: ACMG Guidelines, 2015. Collection method: not provided. Allele origin: germline. Inheritance: Autosomal recessive inheritance. Affected: yes.

NM_000215.4(JAK3):c.*1319G>A

Gene: JAK3 (Janus kinase 3; minus strand). Cytogenetic location: 19p13.11.
Variant type: single nucleotide variant.
Coding change: c.*1319G>A on transcript NM_000215.4 (MANE Select); 1319 bases downstream of the stop codon, G replaced by A.
Molecular consequence: 3 prime UTR variant.
Genome position (GRCh38, 1-based): chr19:17,825,424, C>T on the plus strand (G>A on the coding strand, the complement: JAK3 is on the minus strand). VCF-style: chr19-17825424-C-T. GRCh37 (hg19) VCF-style: chr19-17936233-C-T.
Identifiers: ClinVar variation 891136 (VCV000891136.5), dbSNP rs118101939, ClinGen allele CA15941602.
Genomic context (GRCh38, chr19:17,825,424, plus strand): 5'-TTGTGCCCCTTGTAGGGTGAGGACAGAAAGGGTCCCATTGGACAGGTGGGAAAACTGAAG[C>T]CCTAGGACACTCAGATACCATTAGGGTGGACTGGGACCCCAGCCTTTCCTGCCCCCTTTC-3'